The following is an entry in ClinVar:

NM_017721.5(CC2D1A):c.1469-2A>G

Gene: CC2D1A (coiled-coil and C2 domain containing 1A; plus strand). Cytogenetic location: 19p13.12.
Variant type: single nucleotide variant.
Coding change: c.1469-2A>G on transcript NM_017721.5 (MANE Select); the canonical splice acceptor site of the intron before coding-DNA position 1469, A replaced by G.
Molecular consequence: splice acceptor variant.
Genome position (GRCh38, 1-based): chr19:13,920,748, A>G. VCF-style: chr19-13920748-A-G. GRCh37 (hg19) VCF-style: chr19-14031561-A-G.
Other names: c.1469-2A>G (NM_001411138.1).
Identifiers: ClinVar variation 2707308 (VCV002707308.3), dbSNP rs2513105444, ClinGen allele CA404387602.

ClinVar aggregate classification (germline): Likely pathogenic (1 of 4 stars; one submission).

Submission:

Labcorp Genetics (formerly Invitae), Labcorp
Classification: Likely pathogenic. Last evaluated: 2024-01-10. Review status: criteria provided, single submitter. Criteria: Invitae Variant Classification Sherloc (09022015). Collection method: clinical testing. Allele origin: germline.
Comment: This sequence change affects an acceptor splice site in intron 13 of the CC2D1A gene. It is expected to disrupt RNA splicing. Variants that disrupt the donor or acceptor splice site typically lead to a loss of protein function (PMID: 16199547), and loss-of-function variants in CC2D1A are known to be pathogenic (PMID: 16033914). This variant is not present in population databases (gnomAD no frequency). This variant has not been reported in the literature in individuals affected with CC2D1A-related conditions. Algorithms developed to predict the effect of sequence changes on RNA splicing suggest that this variant may disrupt the consensus splice site. In summary, the currently available evidence indicates that the variant is pathogenic, but additional data are needed to prove that conclusively. Therefore, this variant has been classified as Likely Pathogenic.

Literature cited by the submitters: PubMed 16199547; PubMed 16033914.